The following is an entry in ClinVar:

NM_004304.5(ALK):c.2251A>T (p.Met751Leu)

Gene: ALK (ALK receptor tyrosine kinase; minus strand). Cytogenetic location: 2p23.2.
Variant type: single nucleotide variant.
Coding change: c.2251A>T on transcript NM_004304.5 (MANE Select); coding-DNA position 2251, A replaced by T.
Protein change: p.Met751Leu; replaces methionine 751 with leucine.
Molecular consequence: missense variant.
Genome position (GRCh38, 1-based): chr2:29,239,784, T>A on the plus strand (A>T on the coding strand, the complement: ALK is on the minus strand). VCF-style: chr2-29239784-T-A. GRCh37 (hg19) VCF-style: chr2-29462650-T-A.
Other names: short protein forms M751L.
Identifiers: ClinVar variation 2867350 (VCV002867350.3), dbSNP rs2465270208, ClinGen allele CA346474647.
Genomic context (GRCh38, chr2:29,239,784, plus strand): 5'-GCATGTCATCCTTCTCCAGGTTGAAGATGCCCAGCACAGACACGCCGTGGGACCGCATCA[T>A]GGTGTTCTTCCCGCCTTTCCCGCCAGCAGCTCCGTAGCCCGAGATGCTGCAATGGGACAA-3'
Protein context (NP_004295.2, residues 741-761): AAGGKGGKNT[Met751Leu]MRSHGVSVLG

ClinVar aggregate classification (germline): Uncertain significance (1 of 4 stars; one submission).

Conditions:
Neuroblastoma, susceptibility to, 3. Also called: ALK-Related Neuroblastic Tumor Susceptibility. Identifiers: Orphanet 635, MedGen C2751681, MONDO:0013083, OMIM 613014.

Allele frequency attached by ClinVar (database versions not stated): gnomAD exomes below 0.00001.
gnomAD v4.1: 3 of 1,613,964 alleles (0.00019%); highest among the groups gnomAD compares: Non-Finnish European, 0.00025%; no homozygotes.

Submission:

Labcorp Genetics (formerly Invitae), Labcorp
Classification: Uncertain significance for Neuroblastoma, susceptibility to, 3. Last evaluated: 2024-01-29. Review status: criteria provided, single submitter. Criteria: Invitae Variant Classification Sherloc (09022015). Collection method: clinical testing. Allele origin: germline.
Comment: This sequence change replaces methionine, which is neutral and non-polar, with leucine, which is neutral and non-polar, at codon 751 of the ALK protein (p.Met751Leu). This variant is not present in population databases (gnomAD no frequency). This variant has not been reported in the literature in individuals affected with ALK-related conditions. An algorithm developed to predict the effect of missense changes on protein structure and function (PolyPhen-2) suggests that this variant is likely to be tolerated. In summary, the available evidence is currently insufficient to determine the role of this variant in disease. Therefore, it has been classified as a Variant of Uncertain Significance.